The following is an entry in ClinVar:

NM_206937.2(LIG4):c.968T>C (p.Ile323Thr)

Gene: LIG4 (DNA ligase 4; minus strand). Cytogenetic location: 13q33.3.
Variant type: single nucleotide variant.
Coding change: c.968T>C on transcript NM_206937.2 (MANE Select); coding-DNA position 968, T replaced by C.
Protein change: p.Ile323Thr; replaces isoleucine 323 with threonine.
Molecular consequence: missense variant.
Genome position (GRCh38, 1-based): chr13:108,210,301, A>G on the plus strand (T>C on the coding strand, the complement: LIG4 is on the minus strand). VCF-style: chr13-108210301-A-G. GRCh37 (hg19) VCF-style: chr13-108862649-A-G.
Other names: c.968T>C, p.Ile323Thr (NM_001098268.2, NM_001352598.2, NM_001352599.2 and 6 more transcripts); c.767T>C, p.Ile256Thr (NM_001330595.2); c.1004T>C, p.Ile335Thr (NM_001352604.2); short protein forms I256T, I323T, I335T.
Identifiers: ClinVar variation 882900 (VCV000882900.13), dbSNP rs376108062, ClinGen allele CA7043767.

ClinVar aggregate classification (germline): Uncertain significance. Review status: criteria provided, multiple submitters, no conflicts (2 of 4 stars). 3 submissions from 2 submitters: Uncertain significance (3). Last evaluated 2024-10-22.

Conditions:
DNA ligase IV deficiency. Identifiers: Orphanet 99812, MedGen C1847827, MONDO:0011686, OMIM 606593.
Severe combined immunodeficiency due to DCLRE1C deficiency (RS-SCID). Also called: SCID, AUTOSOMAL RECESSIVE, T CELL-NEGATIVE, B CELL-NEGATIVE, NK CELL-POSITIVE, WITH SENSITIVITY TO IONIZING RADIATION. Identifiers: Orphanet 275, MedGen C1865371, MONDO:0011225, OMIM 602450.

Allele frequency attached by ClinVar (database versions not stated): ExAC 0.00003; gnomAD 0.00003 and 0.00004; gnomAD exomes 0.00003; TOPMed 0.00003; ESP Exome Variant Server 0.00008.
gnomAD v4.1: 46 of 1,613,900 alleles (0.0029%); highest among the groups gnomAD compares: Middle Eastern, 0.016%; no homozygotes.

Submissions (3):

Labcorp Genetics (formerly Invitae), Labcorp
Classification: Uncertain significance for DNA ligase IV deficiency. Last evaluated: 2024-10-22. Review status: criteria provided, single submitter. Criteria: Invitae Variant Classification Sherloc (09022015). Collection method: clinical testing. Allele origin: germline.
Comment: This sequence change replaces isoleucine, which is neutral and non-polar, with threonine, which is neutral and polar, at codon 323 of the LIG4 protein (p.Ile323Thr). This variant is present in population databases (rs376108062, gnomAD 0.006%). This variant has not been reported in the literature in individuals affected with LIG4-related conditions. ClinVar contains an entry for this variant (Variation ID: 882900). An algorithm developed to predict the effect of missense changes on protein structure and function outputs the following: PolyPhen-2: "Benign". The threonine amino acid residue is found in multiple mammalian species, which suggests that this missense change does not adversely affect protein function. In summary, the available evidence is currently insufficient to determine the role of this variant in disease. Therefore, it has been classified as a Variant of Uncertain Significance.

Illumina Laboratory Services, Illumina
Classification: Uncertain significance for Severe combined immunodeficiency due to DCLRE1C deficiency. Last evaluated: 2018-01-13. Review status: criteria provided, single submitter. Criteria: ICSL Variant Classification Criteria 13 December 2019. Collection method: clinical testing. Allele origin: germline.

Illumina Laboratory Services, Illumina
Classification: Uncertain significance for DNA ligase IV deficiency. Last evaluated: 2018-01-13. Review status: criteria provided, single submitter. Criteria: ICSL Variant Classification Criteria 13 December 2019. Collection method: clinical testing. Allele origin: germline.